The following is an entry in ClinVar:

NM_003119.4(SPG7):c.965G>A (p.Arg322His)

Gene: SPG7 (SPG7 matrix AAA peptidase subunit, paraplegin; plus strand). Cytogenetic location: 16q24.3.
Variant type: single nucleotide variant.
Coding change: c.965G>A on transcript NM_003119.4 (MANE Select); coding-DNA position 965, G replaced by A.
Protein change: p.Arg322His; replaces arginine 322 with histidine.
Molecular consequence: missense variant.
Genome position (GRCh38, 1-based): chr16:89,530,786, G>A. VCF-style: chr16-89530786-G-A. GRCh37 (hg19) VCF-style: chr16-89597194-G-A.
Other names: p.Arg322His; c.965G>A, p.Arg322His (NM_001363850.1, NM_199367.3); short protein forms R322H.
Identifiers: ClinVar variation 3380444 (VCV003380444.1).

ClinVar aggregate classification (germline): Uncertain significance (1 of 4 stars; one submission).

gnomAD v4.1: 24 of 1,614,150 alleles (0.0015%); highest among the groups gnomAD compares: Non-Finnish European, 0.0019%; no homozygotes.

Submission:

Mayo Clinic Laboratories, Mayo Clinic
Classification: Uncertain significance. Last evaluated: 2024-02-22. Review status: criteria provided, single submitter. Criteria: ACMG Guidelines, 2015. Collection method: clinical testing. Allele origin: germline. Observed: 1 variant allele.
Comment: BP4, PM2_moderate